The following is an entry in ClinVar:

ClinVar aggregate classification (germline): Uncertain significance (1 of 4 stars; one submission).

Conditions:
Glycogen storage disease, type VII (GSD7). Also called: GSD VII; TARUI DISEASE; MUSCLE PHOSPHOFRUCTOKINASE DEFICIENCY; PFKM DEFICIENCY. Identifiers: Orphanet 371, MedGen C0017926, MONDO:0009295, OMIM 232800.

Allele frequency attached by ClinVar (database versions not stated): gnomAD exomes below 0.00001; TOPMed below 0.00001; gnomAD 0.00001.
gnomAD v4.1: 6 of 1,613,762 alleles (0.00037%); highest among the groups gnomAD compares: Non-Finnish European, 0.00051%; no homozygotes.

Submission:

Labcorp Genetics (formerly Invitae), Labcorp
Classification: Uncertain significance for Glycogen storage disease, type VII. Last evaluated: 2022-05-06. Review status: criteria provided, single submitter. Criteria: Invitae Variant Classification Sherloc (09022015). Collection method: clinical testing. Allele origin: germline.
Comment: This sequence change replaces asparagine, which is neutral and polar, with serine, which is neutral and polar, at codon 484 of the PFKM protein (p.Asn484Ser). This variant is present in population databases (no rsID available, gnomAD 0.002%). This variant has not been reported in the literature in individuals affected with PFKM-related conditions. Algorithms developed to predict the effect of missense changes on protein structure and function (SIFT, PolyPhen-2, Align-GVGD) all suggest that this variant is likely to be tolerated. In summary, the available evidence is currently insufficient to determine the role of this variant in disease. Therefore, it has been classified as a Variant of Uncertain Significance.

NM_000289.6(PFKM):c.1451A>G (p.Asn484Ser)

Gene: PFKM (phosphofructokinase, muscle; plus strand). Cytogenetic location: 12q13.11.
Variant type: single nucleotide variant.
Coding change: c.1451A>G on transcript NM_000289.6 (MANE Select); coding-DNA position 1451, A replaced by G.
Protein change: p.Asn484Ser; replaces asparagine 484 with serine.
Molecular consequence: missense variant. On other transcripts: non-coding transcript variant (6).
Genome position (GRCh38, 1-based): chr12:48,141,778, A>G. VCF-style: chr12-48141778-A-G. GRCh37 (hg19) VCF-style: chr12-48535561-A-G.
Other names: c.1664A>G, p.Asn555Ser (NM_001354739.1, NM_001166686.2, NM_001354737.1 and 1 more transcripts); c.1595A>G, p.Asn532Ser (NM_001354740.1); c.1475A>G, p.Asn492Ser (NM_001354741.2); c.1451A>G, p.Asn484Ser (NM_001354742.2, NM_001354743.2, NM_001354744.2 and 2 more transcripts); c.1364A>G, p.Asn455Ser (NM_001354745.2); c.1325A>G, p.Asn442Ser (NM_001354746.2); c.1301A>G, p.Asn434Ser (NM_001354747.2, NM_001354748.2); c.1358A>G, p.Asn453Ser (NM_001363619.2); and 1 more; short protein forms N434S, N484S, N587S, N532S, N442S, N453S, N555S, N455S.
Identifiers: ClinVar variation 2158729 (VCV002158729.1), dbSNP rs1187285132, ClinGen allele CA384551802.
Genomic context (GRCh38, chr12:48,141,778, plus strand): 5'-CCCGCCATCACTGATCAACTAGGACTCTACCCAAGAAGAGCTTTGAACAGATCAGTGCCA[A>G]TATAACTAAGTTTAACATTCAGGGCCTTGTCATCATTGGGGGCTTTGAGGTGAGTGCCTG-3'
Protein context (NP_000280.1, residues 474-494): PKKSFEQISA[Asn484Ser]ITKFNIQGLV